The following is an entry in ClinVar:

ClinVar aggregate classification (germline): Pathogenic (1 of 4 stars; one submission).

Conditions:
Hereditary cancer-predisposing syndrome. Also called: Hereditary neoplastic syndrome; Tumor predisposition; Hereditary Cancer Syndrome; Neoplastic Syndromes, Hereditary. Identifiers: Orphanet 140162, MedGen C0027672, MeSH D009386, MONDO:0015356.

Submission:

Color Diagnostics, LLC DBA Color Health
Classification: Pathogenic for Hereditary cancer-predisposing syndrome. Last evaluated: 2021-11-01. Review status: criteria provided, single submitter. Criteria: ACMG Guidelines, 2015. Collection method: clinical testing. Allele origin: germline.
Comment: This variant alters three nucleotides resulting in a frameshift in exon 11 of the BRCA2 gene. This variant creates a premature translational stop signal and is expected to result in an absent or non-functional protein product. This variant has been reported in an individual affected with breast cancer (PMID: 29487695). This variant has not been identified in the general population by the Genome Aggregation Database (gnomAD). Loss of BRCA2 function is a known mechanism of disease. Based on the available evidence, this variant is classified as Pathogenic.

Literature cited by the submitters: PubMed 29487695.

NM_000059.4(BRCA2):c.3165_3167delinsCC (p.Lys1057fs)

Gene: BRCA2 (BRCA2 DNA repair associated; plus strand). Cytogenetic location: 13q13.1.
Variant type: Indel.
Coding change: c.3165_3167delinsCC on transcript NM_000059.4 (MANE Select); coding-DNA positions 3165 to 3167, TCA replaced by CC.
Protein change: p.Lys1057fs; shifts the reading frame from lysine 1057.
Molecular consequence: frameshift variant.
Genome position (GRCh38, 1-based): chr13:32,337,520-32,337,522, TCA replaced by CC. VCF-style: chr13-32337520-TCA-CC. GRCh37 (hg19) VCF-style: chr13-32911657-TCA-CC.
Other names: c.3165_3167delTCAinsCC (NM_000059.3); short protein forms K1057fs.
Identifiers: ClinVar variation 491233 (VCV000491233.5), dbSNP rs1555283072, ClinGen allele CA658683858.